The following is an entry in ClinVar:

ClinVar aggregate classification (germline): Uncertain significance (1 of 4 stars; one submission).

Submission:

Ambry Genetics
Classification: Uncertain significance. Last evaluated: 2025-09-14. Review status: criteria provided, single submitter. Criteria: Ambry Variant Classification Scheme 2023. Collection method: clinical testing. Allele origin: germline.
Comment: The p.D1142A variant (also known as c.3425A>C), located in coding exon 14 of the WNK2 gene, results from an A to C substitution at nucleotide position 3425. The aspartic acid at codon 1142 is replaced by alanine, an amino acid with dissimilar properties. This amino acid position is conserved. In addition, this alteration is predicted to be tolerated by in silico analysis. Based on the available evidence, the clinical significance of this variant remains unclear.

NM_006648.4(WNK2):c.3425A>C (p.Asp1142Ala)

Gene: WNK2 (WNK lysine deficient protein kinase 2; plus strand). Cytogenetic location: 9q22.31.
Variant type: single nucleotide variant.
Coding change: c.3425A>C on transcript NM_006648.4 (MANE Select); coding-DNA position 3425, A replaced by C.
Protein change: p.Asp1142Ala; replaces aspartic acid 1142 with alanine.
Molecular consequence: missense variant.
Genome position (GRCh38, 1-based): chr9:93,263,580, A>C. VCF-style: chr9-93263580-A-C. GRCh37 (hg19) VCF-style: chr9-96025862-A-C.
Other names: c.3425A>C, p.Asp1142Ala (NM_001282394.3); short protein forms D1142A.
Identifiers: ClinVar variation 4201907 (VCV004201907.1).